The following is an entry in ClinVar:

NM_001145026.2(PTPRQ):c.1703-9_1703-4del

Gene: PTPRQ (protein tyrosine phosphatase receptor type Q; plus strand). Cytogenetic location: 12q21.31.
Variant type: Deletion.
Coding change: c.1703-9_1703-4del on transcript NM_001145026.2 (MANE Select); 9 bases into the intron before coding-DNA position 1703 through 4 bases into the intron before coding-DNA position 1703, 6 bases deleted (CTTTTT; older notation c.1703-9_1703-4delCTTTTT).
Molecular consequence: intron variant.
Genome position (GRCh38, 1-based): chr12:80,495,183-80,495,188, CTTTTT deleted; deleting any 6 consecutive bases within chr12:80,495,181-80,495,188 gives the same sequence; the c. name uses the placement nearest the transcript's 3' end. VCF-style (leftmost placement, unchanged base first): chr12-80495180-CTTCTTT-C. GRCh37 (hg19) VCF-style: chr12-80888959-CTTCTTT-C.
Identifiers: ClinVar variation 3027214 (VCV003027214.22), dbSNP rs2541560896, ClinGen allele CA2740092428.

ClinVar aggregate classification (germline): Uncertain significance (1 of 4 stars; one submission).

Submission:

CeGaT Center for Human Genetics Tuebingen
Classification: Uncertain significance. Last evaluated: 2024-02-01. Review status: criteria provided, single submitter. Criteria: CeGaT Center For Human Genetics Tuebingen Variant Classification Criteria Version 2. Collection method: clinical testing. Allele origin: germline. Affected: yes. Observed: 1 variant allele.
Comment: PTPRQ: PM2, BP4